The following is an entry in ClinVar:

NM_000834.5(GRIN2B):c.3323C>T (p.Ala1108Val)

Gene: GRIN2B (glutamate ionotropic receptor NMDA type subunit 2B; minus strand). Cytogenetic location: 12p13.1.
Variant type: single nucleotide variant.
Coding change: c.3323C>T on transcript NM_000834.5 (MANE Select); coding-DNA position 3323, C replaced by T.
Protein change: p.Ala1108Val; replaces alanine 1108 with valine.
Molecular consequence: missense variant.
Genome position (GRCh38, 1-based): chr12:13,563,915, G>A on the plus strand (C>T on the coding strand, the complement: GRIN2B is on the minus strand). VCF-style: chr12-13563915-G-A. GRCh37 (hg19) VCF-style: chr12-13716849-G-A.
Other names: c.3323C>T, p.Ala1108Val (NM_001413992.1); short protein forms A1108V.
Identifiers: ClinVar variation 2932318 (VCV002932318.3), dbSNP rs2497469182, ClinGen allele CA383989971.

ClinVar aggregate classification (germline): Uncertain significance (1 of 4 stars; one submission).

Conditions:
Intellectual developmental disorder, autosomal dominant 6, with or without seizures. Also called: GRIN2B-related developmental delay, intellectual disability and autism spectrum disorder; Intellectual disability, autosomal dominant 6. Identifiers: Orphanet 589547, MedGen C3151411, MONDO:0013509, OMIM 613970.
Developmental and epileptic encephalopathy, 27 (DEE27). Also called: Epileptic encephalopathy, early infantile, 27; GRIN2B-Related Neurodevelopmental Disorder. Identifiers: Orphanet 3451, MedGen C4015316, MONDO:0014505, OMIM 616139.

Allele frequency attached by ClinVar (database versions not stated): gnomAD exomes below 0.00001.
gnomAD v4.1: 3 of 1,614,144 alleles (0.00019%); highest among the groups gnomAD compares: Non-Finnish European, 0.00025%; no homozygotes.

Submission:

Labcorp Genetics (formerly Invitae), Labcorp
Classification: Uncertain significance for Developmental and epileptic encephalopathy, 27; Intellectual developmental disorder, autosomal dominant 6, with or without seizures. Last evaluated: 2024-10-30. Review status: criteria provided, single submitter. Criteria: Invitae Variant Classification Sherloc (09022015). Collection method: clinical testing. Allele origin: germline.
Comment: This sequence change replaces alanine, which is neutral and non-polar, with valine, which is neutral and non-polar, at codon 1108 of the GRIN2B protein (p.Ala1108Val). This variant is not present in population databases (gnomAD no frequency). This variant has not been reported in the literature in individuals affected with GRIN2B-related conditions. ClinVar contains an entry for this variant (Variation ID: 2932318). Invitae Evidence Modeling of protein sequence and biophysical properties (such as structural, functional, and spatial information, amino acid conservation, physicochemical variation, residue mobility, and thermodynamic stability) has been performed for this missense variant. However, the output from this modeling did not meet the statistical confidence thresholds required to predict the impact of this variant on GRIN2B protein function. In summary, the available evidence is currently insufficient to determine the role of this variant in disease. Therefore, it has been classified as a Variant of Uncertain Significance.